The following is an entry in ClinVar:

NM_001114753.3(ENG):c.164del (p.Ala55fs)

Gene: ENG (endoglin; minus strand). Cytogenetic location: 9q34.11.
Variant type: Deletion.
Coding change: c.164del on transcript NM_001114753.3 (MANE Select); coding-DNA position 164, one base deleted (C; older notation c.164delC).
Protein change: p.Ala55fs; shifts the reading frame from alanine 55.
Molecular consequence: frameshift variant. On other transcripts: 5 prime UTR variant (1).
Genome position (GRCh38, 1-based): chr9:127,843,149, G deleted on the plus strand (C on the coding strand, the reverse complement: ENG is on the minus strand). VCF-style (leftmost placement, unchanged base first): chr9-127843148-AG-A. GRCh37 (hg19) VCF-style: chr9-130605427-AG-A.
Other names: c.164delC (NM_000118.3); c.164delC, p.Ala55Valfs (NM_000118.4, NM_001406715.1); c.-383del (NM_001278138.2); short protein forms A55fs.
Identifiers: ClinVar variation 982470 (VCV000982470.8), dbSNP rs1831081460, ClinGen allele CA1139661227.

ClinVar aggregate classification (germline): Pathogenic. Review status: criteria provided, multiple submitters, no conflicts (2 of 4 stars). 2 submissions from 2 submitters: Pathogenic (2). Last evaluated 2021-09-28.

Conditions:
Hereditary hemorrhagic telangiectasia (HHT). Also called: Osler hemorrhagic telangiectasia syndrome; ORW DISEASE; Osler Weber Rendu syndrome; OSLER-RENDU-WEBER DISEASE. Identifiers: Orphanet 774, MedGen C0039445, MONDO:0019180. Disease mechanism: loss of function.
Telangiectasia, hereditary hemorrhagic, type 1 (HHT1). Also called: Osler Weber Rendu syndrome type 1; ENG-Related Hereditary Hemorrhagic Telangiectasia. Identifiers: Orphanet 774, MedGen C4551861, MONDO:0008535, OMIM 187300. Disease mechanism: loss of function.

Submissions (2):

Labcorp Genetics (formerly Invitae), Labcorp
Classification: Pathogenic for Hereditary hemorrhagic telangiectasia. Last evaluated: 2021-09-28. Review status: criteria provided, single submitter. Criteria: Invitae Variant Classification Sherloc (09022015). Collection method: clinical testing. Allele origin: germline.
Comment: This sequence change creates a premature translational stop signal (p.Ala55Valfs*26) in the ENG gene. It is expected to result in an absent or disrupted protein product. Loss-of-function variants in ENG are known to be pathogenic (PMID: 15879500). This variant is not present in population databases (ExAC no frequency). This premature translational stop signal has been observed in individual(s) with hereditary hemorrhagic telangiectasia (HHT) (PMID: 21158752). ClinVar contains an entry for this variant (Variation ID: 982470). Algorithms developed to predict the effect of sequence changes on RNA splicing suggest that this variant may create or strengthen a splice site. For these reasons, this variant has been classified as Pathogenic.

NIHR Bioresource Rare Diseases, University of Cambridge
Classification: Pathogenic for Telangiectasia, hereditary hemorrhagic, type 1. Last evaluated: 2018-01-01. Review status: criteria provided, single submitter. Criteria: ACMG Guidelines, 2015. Collection method: research. Allele origin: unknown. Affected: yes. Observed: 1 variant allele.
Comment: PVS1+PM2+PP4

Literature cited by the submitters: PubMed 15879500 (cited by Labcorp Genetics (formerly Invitae), Labcorp); PubMed 21158752 (cited by Labcorp Genetics (formerly Invitae), Labcorp); PubMed 32573726 (cited by NIHR Bioresource Rare Diseases, University of Cambridge).